The following is an entry in ClinVar:

ClinVar aggregate classification (germline): Uncertain significance (1 of 4 stars; one submission).

Conditions:
Cardiovascular phenotype. Identifiers: MedGen CN230736.

Submission:

Ambry Genetics
Classification: Uncertain significance for Cardiovascular phenotype. Last evaluated: 2018-09-17. Review status: criteria provided, single submitter. Criteria: Ambry Variant Classification Scheme 2023. Collection method: clinical testing. Allele origin: germline.
Comment: The c.62020_62022delGCT variant (also known as p.A20674del) is located in coding exon 161 of the TTN gene. This variant results from an in-frame GCT deletion at nucleotide positions 62020 to 62022. This results in the in-frame deletion of an alanine at codon 20674. This amino acid position is not well conserved in available vertebrate species. Since supporting evidence is limited at this time, the clinical significance of this alteration remains unclear.

NM_001267550.2(TTN):c.89215_89217del (p.Ala29739del)

Genes: TTN (titin; minus strand), TTN-AS1 (TTN antisense RNA 1; plus strand). Cytogenetic location: 2q31.2.
Variant type: Deletion.
Coding change: c.89215_89217del on transcript NM_001267550.2 (MANE Select); coding-DNA positions 89215 to 89217, 3 bases deleted (GCT; older notation c.89215_89217delGCT).
Protein change: p.Ala29739del; deletes alanine 29739.
Molecular consequence: inframe deletion.
Genome position (GRCh38, 1-based): chr2:178,553,788-178,553,790, AGC deleted on the plus strand (GCT on the coding strand, the reverse complement: TTN is on the minus strand); deleting any 3 consecutive bases within chr2:178,553,788-178,553,792 gives the same sequence; the c. name uses the placement nearest the transcript's 3' end. VCF-style (leftmost placement, unchanged base first): chr2-178553787-TAGC-T. GRCh37 (hg19) VCF-style: chr2-179418514-TAGC-T.
Other names: c.84292_84294del, p.Ala28098del (NM_001256850.1); c.62020_62022del, p.Ala20674del (NM_003319.4); c.81511_81513del, p.Ala27171del (NM_133378.4); c.62395_62397del, p.Ala20799del (NM_133432.3); c.62596_62598del, p.Ala20866del (NM_133437.4); c.62020_62022delGCT (NM_003319.4); short protein forms A20866del, A28098del, A29739del, A27171del, A20674del, A20799del.
Identifiers: ClinVar variation 1752182 (VCV001752182.2), dbSNP rs2469341523, ClinGen allele CA2580064641.